The following is an entry in ClinVar:

ClinVar aggregate classification (germline): Uncertain significance (1 of 4 stars; one submission).

Conditions:
Ataxia-telangiectasia syndrome (AT). Also called: ATAXIA-TELANGIECTASIA, FRESNO VARIANT; Ataxia-telangiectasia, complementation group E; Ataxia telangiectasia (A-T); LOUIS-BAR SYNDROME; Ataxia-telangiectasia, complementation group D; AT, COMPLEMENTATION GROUP C. Identifiers: Orphanet 100, MedGen C0004135, MONDO:0008840, OMIM 208900.

Submission:

Labcorp Genetics (formerly Invitae), Labcorp
Classification: Uncertain significance for Ataxia-telangiectasia syndrome. Last evaluated: 2020-09-18. Review status: criteria provided, single submitter. Criteria: Invitae Variant Classification Sherloc (09022015). Collection method: clinical testing. Allele origin: germline.
Comment: This sequence change replaces isoleucine with leucine at codon 500 of the ATM protein (p.Ile500Leu). The isoleucine residue is weakly conserved and there is a small physicochemical difference between isoleucine and leucine. In summary, the available evidence is currently insufficient to determine the role of this variant in disease. Therefore, it has been classified as a Variant of Uncertain Significance. Algorithms developed to predict the effect of missense changes on protein structure and function (SIFT, PolyPhen-2, Align-GVGD) all suggest that this variant is likely to be tolerated, but these predictions have not been confirmed by published functional studies and their clinical significance is uncertain. This variant has not been reported in the literature in individuals with ATM-related conditions. This variant is not present in population databases (ExAC no frequency).

NM_000051.4(ATM):c.1498A>C (p.Ile500Leu)

Gene: ATM (ATM serine/threonine kinase; plus strand). Cytogenetic location: 11q22.3.
Variant type: single nucleotide variant.
Coding change: c.1498A>C on transcript NM_000051.4 (MANE Select); coding-DNA position 1498, A replaced by C.
Protein change: p.Ile500Leu; replaces isoleucine 500 with leucine.
Molecular consequence: missense variant.
Genome position (GRCh38, 1-based): chr11:108,250,963, A>C. VCF-style: chr11-108250963-A-C. GRCh37 (hg19) VCF-style: chr11-108121690-A-C.
Other names: c.1498A>C, p.Ile500Leu (NM_001351834.2); short protein forms I500L.
Identifiers: ClinVar variation 966053 (VCV000966053.9), dbSNP rs2080112487, ClinGen allele CA382534225.